The following is an entry in ClinVar:

NM_007294.4(BRCA1):c.807G>T (p.Leu269Phe)

Gene: BRCA1 (BRCA1 DNA repair associated; minus strand). Cytogenetic location: 17q21.31.
Variant type: single nucleotide variant.
Coding change: c.807G>T on transcript NM_007294.4 (MANE Select); coding-DNA position 807, G replaced by T.
Protein change: p.Leu269Phe; replaces leucine 269 with phenylalanine.
Molecular consequence: missense variant. On other transcripts: 5 prime UTR variant (2), intron variant (137).
Genome position (GRCh38, 1-based): chr17:43,094,724, C>A on the plus strand (G>T on the coding strand, the complement: BRCA1 is on the minus strand). VCF-style: chr17-43094724-C-A. GRCh37 (hg19) VCF-style: chr17-41246741-C-A.
Other names: c.684G>T, p.Leu228Phe (NM_001407664.1, NM_001407665.1, NM_001407666.1 and 19 more transcripts); c.807G>T, p.Leu269Phe (NM_001407684.1, NM_001407854.1, NM_001407858.1 and 30 more transcripts); c.681G>T, p.Leu227Phe (NM_001407685.1, NM_001407686.1, NM_001407687.1 and 11 more transcripts); c.666G>T, p.Leu222Phe (NM_001407725.1, NM_001407726.1, NM_001407727.1 and 29 more transcripts); c.663G>T, p.Leu221Phe (NM_001407744.1, NM_001407745.1, NM_001407746.1 and 20 more transcripts); c.594G>T, p.Leu198Phe (NM_001407853.1, NM_001407894.1, NM_001407895.1 and 9 more transcripts); c.804G>T, p.Leu268Phe (NM_001407860.1, NM_001407610.1, NM_001407611.1 and 22 more transcripts); c.597G>T, p.Leu199Phe (NM_001407886.1, NM_001407887.1, NM_001407889.1 and 13 more transcripts); and 40 more; short protein forms L101F, L141F, L142F, L157F, L158F, L180F, L181F, L198F.
Identifiers: ClinVar variation 4856440 (VCV004856440.1).

ClinVar aggregate classification (germline): Likely benign (1 of 4 stars; one submission).

Conditions:
Breast-ovarian cancer, familial, susceptibility to, 1 (BROVCA1). Also called: OVARIAN CANCER, SUSCEPTIBILITY TO; BRCA1 Hereditary Breast and Ovarian Cancer. Identifiers: Orphanet 145, MedGen C2676676, MONDO:0011450, OMIM 604370. Disease mechanism: loss of function.

gnomAD v4.1: 1 of 1,611,378 alleles (0.000062%); highest among the groups gnomAD compares: South Asian, 0.0011%; no homozygotes.

Submission:

Cancer Bioinformatics and Tumour Evolution Laboratory, Monash University
Classification: Likely benign for Breast-ovarian cancer, familial, susceptibility to, 1. Last evaluated: 2026-05-01. Review status: criteria provided, single submitter. Criteria: ClinGen BRCA1 and BRCA2 Guidelines, 2024. Collection method: curation. Allele origin: germline. Inheritance: Autosomal dominant inheritance.
Comment: Missense variant outside of a functional domain with no splice impact. BRCA1 and BRCA2 VCEP guidelines recommend application of BP1_Strong (PMID: 39142283)